The following is an entry in ClinVar:

ClinVar aggregate classification (germline): Uncertain significance (1 of 4 stars; one submission).

Allele frequency attached by ClinVar (database versions not stated): ExAC 0.00001; gnomAD 0.00001; gnomAD exomes 0.00001; TOPMed 0.00001.
gnomAD v4.1: 12 of 1,613,802 alleles (0.00074%); highest among the groups gnomAD compares: Non-Finnish European, 0.001%; no homozygotes.

Submission:

Labcorp Genetics (formerly Invitae), Labcorp
Classification: Uncertain significance. Last evaluated: 2023-07-26. Review status: criteria provided, single submitter. Criteria: Invitae Variant Classification Sherloc (09022015). Collection method: clinical testing. Allele origin: germline.
Comment: In summary, the available evidence is currently insufficient to determine the role of this variant in disease. Therefore, it has been classified as a Variant of Uncertain Significance. This sequence change replaces serine, which is neutral and polar, with arginine, which is basic and polar, at codon 922 of the NFKB1 protein (p.Ser922Arg). This variant is present in population databases (rs41341444, gnomAD 0.0009%). This variant has not been reported in the literature in individuals affected with NFKB1-related conditions. An algorithm developed to predict the effect of missense changes on protein structure and function (PolyPhen-2) suggests that this variant is likely to be tolerated. Experimental studies have shown that this missense change does not substantially affect NFKB1 function (PMID: 34473196).

Literature cited by the submitters: PubMed 34473196.

NM_003998.4(NFKB1):c.2766T>G (p.Ser922Arg)

Gene: NFKB1 (nuclear factor kappa B subunit 1; plus strand). Cytogenetic location: 4q24.
Variant type: single nucleotide variant.
Coding change: c.2766T>G on transcript NM_003998.4 (MANE Select); coding-DNA position 2766, T replaced by G.
Protein change: p.Ser922Arg; replaces serine 922 with arginine.
Molecular consequence: missense variant.
Genome position (GRCh38, 1-based): chr4:102,616,450, T>G. VCF-style: chr4-102616450-T-G. GRCh37 (hg19) VCF-style: chr4-103537607-T-G.
Other names: c.2763T>G, p.Ser921Arg (NM_001165412.2, NM_001319226.2, NM_001382627.1); c.2766T>G, p.Ser922Arg (NM_001382625.1, NM_001382626.1); c.2724T>G, p.Ser908Arg (NM_001382628.1); short protein forms S921R, S908R, S922R.
Identifiers: ClinVar variation 2976703 (VCV002976703.3), dbSNP rs41341444, ClinGen allele CA3026535.